The following is an entry in ClinVar:

NM_001291415.2(KDM6A):c.1703C>T (p.Ala568Val)

Gene: KDM6A (lysine demethylase 6A; plus strand). Cytogenetic location: Xp11.3.
Variant type: single nucleotide variant.
Coding change: c.1703C>T on transcript NM_001291415.2 (MANE Select); coding-DNA position 1703, C replaced by T.
Protein change: p.Ala568Val; replaces alanine 568 with valine.
Molecular consequence: missense variant. On other transcripts: non-coding transcript variant (1).
Genome position (GRCh38, 1-based): chrX:45,063,441, C>T. VCF-style: chrX-45063441-C-T. GRCh37 (hg19) VCF-style: chrX-44922686-C-T.
Other names: c.1568C>T, p.Ala523Val (NM_001291416.2, NM_001419811.1); c.1412C>T, p.Ala471Val (NM_001291417.2); c.1310C>T, p.Ala437Val (NM_001291418.2, NM_001419815.1); c.659C>T, p.Ala220Val (NM_001291421.2); c.1445C>T, p.Ala482Val (NM_001410742.1, NM_001419814.1); c.1703C>T, p.Ala568Val (NM_001419809.1); c.1601C>T, p.Ala534Val (NM_001419810.1, NM_001419813.1); c.1547C>T, p.Ala516Val (NM_001419812.1, NM_021140.4); short protein forms A220V, A437V, A471V, A482V, A516V, A523V, A534V, A568V.
Identifiers: ClinVar variation 3623133 (VCV003623133.2).

ClinVar aggregate classification (germline): Uncertain significance (1 of 4 stars; one submission).

Conditions:
Kabuki syndrome 2 (KABUK2). Also called: KDM6A-Related Kabuki Syndrome. Identifiers: Orphanet 2322, MedGen C3275495, MONDO:0010465, OMIM 300867.

gnomAD v4.1: 13 of 1,206,294 alleles (0.0011%); highest among the groups gnomAD compares: Non-Finnish European, 0.0015%; no homozygotes.

Submission:

Labcorp Genetics (formerly Invitae), Labcorp
Classification: Uncertain significance for Kabuki syndrome 2. Last evaluated: 2025-10-26. Review status: criteria provided, single submitter. Criteria: Invitae Variant Classification Sherloc (09022015). Collection method: clinical testing. Allele origin: germline.
Comment: This sequence change replaces alanine, which is neutral and non-polar, with valine, which is neutral and non-polar, at codon 516 of the KDM6A protein (p.Ala516Val). This variant is not present in population databases (gnomAD no frequency). This variant has not been reported in the literature in individuals affected with KDM6A-related conditions. ClinVar contains an entry for this variant (Variation ID: 3623133). Invitae Evidence Modeling of protein sequence and biophysical properties (such as structural, functional, and spatial information, amino acid conservation, physicochemical variation, residue mobility, and thermodynamic stability) indicates that this missense variant is not expected to disrupt KDM6A protein function with a negative predictive value of 80%. In summary, the available evidence is currently insufficient to determine the role of this variant in disease. Therefore, it has been classified as a Variant of Uncertain Significance.